The following is an entry in ClinVar:

ClinVar aggregate classification (germline): Conflicting classifications of pathogenicity. Review status: criteria provided, conflicting classifications (1 of 4 stars). 7 submissions from 7 submitters: Likely pathogenic (2); Uncertain significance (5). Last evaluated 2026-04-06.

Conditions:
Bardet-Biedl syndrome 14 (BBS14). Identifiers: Orphanet 110, MedGen C2673874, MONDO:0014442, OMIM 615991.
Nephronophthisis 11 (NPHP11). Identifiers: Orphanet 84081, MedGen C3150796, MONDO:0013302, OMIM 613550.
Meckel syndrome, type 3 (MKS3). Also called: MECKEL-GRUBER SYNDROME, TYPE 3. Identifiers: Orphanet 564, MedGen C1846357, MONDO:0011821, OMIM 607361.
Joubert syndrome 6 (JBTS6). Identifiers: Orphanet 475, MedGen C1853153, MONDO:0012539, OMIM 610688.
RHYNS syndrome. Also called: RETINITIS PIGMENTOSA SYNDROME; RETINITIS PIGMENTOSA, HYPOPITUITARISM, NEPHRONOPHTHISIS, AND MILD SKELETAL DYSPLASIA. Identifiers: Orphanet 140976, MedGen C1865794, MONDO:0011202, OMIM 602152.
COACH syndrome 1. Identifiers: Orphanet 1454, MedGen C5435651, MONDO:0800103, OMIM 216360, MONDO:0008996.
TMEM67-related disorder. Also called: TMEM67-related disorders; TMEM67-related condition. Identifiers: MedGen CN239423.
Meckel-Gruber syndrome. Also called: DYSENCEPHALIA SPLANCHNOCYSTICA; GRUBER SYNDROME; Dysencephalia splachnocystica. Identifiers: Orphanet 564, MedGen C0265215, MONDO:0018921.
Joubert syndrome. Also called: JOUBERT-BOLTSHAUSER SYNDROME; Familial aplasia of the vermis. Identifiers: Orphanet 475, MedGen C5979921, MONDO:0018772.

Allele frequency attached by ClinVar (database versions not stated): ExAC 0.00001; gnomAD exomes 0.00001 and 0.00003; gnomAD 0.00004; TOPMed 0.00004.

Submissions (7):

PreventionGenetics, part of Exact Sciences
Classification: Uncertain significance for TMEM67-related condition. Last evaluated: 2026-04-06. Review status: criteria provided, single submitter. Criteria: ACMG Guidelines, 2015. Collection method: clinical testing. Allele origin: germline.
Comment: The TMEM67 c.2848G>A variant is predicted to result in the amino acid substitution p.Val950Met. This variant has been reported in an individual with intellectual disability (Riazuddin et al. 2017. PubMed ID: 27457812). However, further evidence of pathogenicity was not provided. This variant is reported in 0.0029% of alleles in individuals of Latino descent in gnomAD. At this time, the clinical significance of this variant is uncertain due to the absence of conclusive functional and genetic evidence.

Fulgent Genetics
Classification: Likely pathogenic for COACH syndrome 1; RHYNS syndrome; Meckel syndrome, type 3; Joubert syndrome 6; Nephronophthisis 11; Bardet-Biedl syndrome 14. Last evaluated: 2024-02-08. Review status: criteria provided, single submitter. Criteria: ACMG Guidelines, 2015. Collection method: clinical testing. Allele origin: germline.

Blueprint Genetics
Classification: Uncertain significance. Last evaluated: 2024-01-10. Review status: criteria provided, single submitter. Criteria: ACMG Guidelines, 2015. Collection method: clinical testing. Allele origin: germline.

Labcorp Genetics (formerly Invitae), Labcorp
Classification: Uncertain significance for Joubert syndrome; Meckel-Gruber syndrome. Last evaluated: 2022-10-24. Review status: criteria provided, single submitter. Criteria: Invitae Variant Classification Sherloc (09022015). Collection method: clinical testing. Allele origin: germline.
Comment: This sequence change replaces valine, which is neutral and non-polar, with methionine, which is neutral and non-polar, at codon 950 of the TMEM67 protein (p.Val950Met). This variant is present in population databases (rs771551765, gnomAD 0.003%). This missense change has been observed in individual(s) with intellectual disability (PMID: 27457812). ClinVar contains an entry for this variant (Variation ID: 392916). Advanced modeling of protein sequence and biophysical properties (such as structural, functional, and spatial information, amino acid conservation, physicochemical variation, residue mobility, and thermodynamic stability) performed at Invitae indicates that this missense variant is expected to disrupt TMEM67 protein function. In summary, the available evidence is currently insufficient to determine the role of this variant in disease. Therefore, it has been classified as a Variant of Uncertain Significance.

Mendelics
Classification: Uncertain significance. Last evaluated: 2022-05-04. Review status: criteria provided, single submitter. Criteria: Mendelics Assertion Criteria 2019. Collection method: clinical testing. Allele origin: germline.

Broad Center for Mendelian Genomics, Broad Institute of MIT and Harvard
Classification: Likely pathogenic for Joubert syndrome 6. Last evaluated: 2018-11-15. Review status: criteria provided, single submitter. Criteria: ACMG Guidelines, 2015. Collection method: research. Allele origin: germline. Inheritance: Autosomal recessive inheritance. Affected: yes. Clinical features observed: Microcephaly, Spastic paraplegia.
Comment: The homozygous p.Val950Met variant in TMEM67 was identified by our study in two individuals with Joubert Syndrome. This variant has been identified in the literature in one homozygous proband, and later in the literature in another homozygous proband (Minami et al. 1999, PMID: 10567047; Riazuddin et al. 2017, PMID: 27457812). This variant has been identified in <0.01% (1/33538) of Latino chromosomes by the Genome Aggregation Database (gnomAD; dbSNP rs771551765). Although this variant has been seen in the general population, its frequency is low enough to be consistent with a recessive carrier frequency. Computational prediction tools and conservation analyses suggest that this variant may impact the protein, though this information is not predictive enough to determine pathogenicity. In summary, although additional studies are required to fully establish its clinical significance, this variant is likely pathogenic.

GeneDx
Classification: Uncertain significance. Last evaluated: 2017-01-19. Review status: criteria provided, single submitter. Criteria: GeneDx Variant Classification (06012015). Collection method: clinical testing. Allele origin: germline. Affected: yes.
Comment: The V950M variant in the TMEM67 gene has been reported previously in the homozygous state in siblings with intellectual disability, physical weakness, deafness and speech problems. The parents and siblings heterozygous for the V950M variant were unaffected (Riazuddin et al., 2016). The V950M variant was not observed in approximately 6500 individuals of European and African American ancestry in the NHLBI Exome Sequencing Project, indicating it is not a common benign variant in these populations. The V950M variant is a conservative amino acid substitution, which is not likely to impact secondary protein structure as these residues share similar properties. This substitution occurs at a position that is conserved across species. In silico analysis is inconsistent in its predictions as to whether or not the variant is damaging to the protein structure/function. We interpret V950M as a variant of uncertain significance.

Literature cited by the submitters: PubMed 27457812 (cited by Labcorp Genetics (formerly Invitae), Labcorp and Broad Center for Mendelian Genomics, Broad Institute of MIT and Harvard); PubMed 10567047 (cited by Broad Center for Mendelian Genomics, Broad Institute of MIT and Harvard).

NM_153704.6(TMEM67):c.2848G>A (p.Val950Met)

Gene: TMEM67 (transmembrane protein 67; plus strand). Cytogenetic location: 8q22.1.
Variant type: single nucleotide variant.
Coding change: c.2848G>A on transcript NM_153704.6 (MANE Select); coding-DNA position 2848, G replaced by A.
Protein change: p.Val950Met; replaces valine 950 with methionine.
Molecular consequence: missense variant. On other transcripts: non-coding transcript variant (1).
Genome position (GRCh38, 1-based): chr8:93,815,388, G>A. VCF-style: chr8-93815388-G-A. GRCh37 (hg19) VCF-style: chr8-94827616-G-A.
Other names: c.2605G>A, p.Val869Met (NM_001142301.1); short protein forms V869M, V950M.
Identifiers: ClinVar variation 392916 (VCV000392916.10), dbSNP rs771551765, ClinGen allele CA4808413.
Genomic context (GRCh38, chr8:93,815,388, plus strand): 5'-GTCCTGTATTATGGAAATGAAGCTACTCTTCTTATTTTTGATCTGCTGTTCTTCTGTGTT[G>A]TGGATTTGGCTTGCCAAAATTTTATTTTAGCATCCTTCCTTACATATCTACAACAAGAGG-3'
Protein context (NP_714915.3, residues 940-960): LIFDLLFFCV[Val950Met]DLACQNFILA